The following is an entry in ClinVar:

ClinVar aggregate classification (germline): Uncertain significance. Review status: criteria provided, multiple submitters, no conflicts (2 of 4 stars). 2 submissions from 2 submitters: Uncertain significance (2). Last evaluated 2025-11-13.

Conditions:
Inborn genetic diseases. Identifiers: MedGen C0950123, MeSH D030342.
Acute myeloid leukemia (AML). Also called: Acute myeloid leukemia, adult; AML adult; Acute non-lymphocytic leukemia; Acute granulocytic leukemia; Leukemia, acute myeloid, somatic; Leukemia, acute myelogenous, somatic. Identifiers: Orphanet 519, MedGen C0023467, MeSH D015470, MONDO:0018874, OMIM 601626, HP:0004808. Disease mechanism: Constitutively activated FLT3.

Submissions (2):

Ambry Genetics
Classification: Uncertain significance for Inborn genetic diseases. Last evaluated: 2025-11-13. Review status: criteria provided, single submitter. Criteria: Ambry Variant Classification Scheme 2023. Collection method: clinical testing. Allele origin: germline.
Comment: The p.D262E variant (also known as c.786C>A), located in coding exon 1 of the CEBPA gene, results from a C to A substitution at nucleotide position 786. The aspartic acid at codon 262 is replaced by glutamic acid, an amino acid with highly similar properties. This amino acid position is conserved. In addition, this alteration is predicted to be tolerated by in silico analysis. Based on the available evidence, the clinical significance of this variant remains unclear.

Labcorp Genetics (formerly Invitae), Labcorp
Classification: Uncertain significance for Acute myeloid leukemia. Last evaluated: 2022-11-09. Review status: criteria provided, single submitter. Criteria: Invitae Variant Classification Sherloc (09022015). Collection method: clinical testing. Allele origin: germline.
Comment: ClinVar contains an entry for this variant (Variation ID: 645803). This variant has not been reported in the literature in individuals affected with CEBPA-related conditions. This variant is not present in population databases (gnomAD no frequency). This sequence change replaces aspartic acid, which is acidic and polar, with glutamic acid, which is acidic and polar, at codon 262 of the CEBPA protein (p.Asp262Glu). Algorithms developed to predict the effect of missense changes on protein structure and function (SIFT, PolyPhen-2, Align-GVGD) all suggest that this variant is likely to be tolerated. In summary, the available evidence is currently insufficient to determine the role of this variant in disease. Therefore, it has been classified as a Variant of Uncertain Significance.

NM_004364.5(CEBPA):c.786C>A (p.Asp262Glu)

Gene: CEBPA (CCAAT enhancer binding protein alpha; minus strand). Cytogenetic location: 19q13.11.
Variant type: single nucleotide variant.
Coding change: c.786C>A on transcript NM_004364.5 (MANE Select); coding-DNA position 786, C replaced by A.
Protein change: p.Asp262Glu; replaces aspartic acid 262 with glutamic acid.
Molecular consequence: missense variant.
Genome position (GRCh38, 1-based): chr19:33,301,629, G>T on the plus strand (C>A on the coding strand, the complement: CEBPA is on the minus strand). VCF-style: chr19-33301629-G-T. GRCh37 (hg19) VCF-style: chr19-33792535-G-T.
Other names: c.429C>A, p.Asp143Glu (NM_001285829.2); c.891C>A, p.Asp297Glu (NM_001287424.2); c.744C>A, p.Asp248Glu (NM_001287435.2); c.786C>A (NM_004364.3); short protein forms D143E, D262E, D297E, D248E.
Identifiers: ClinVar variation 645803 (VCV000645803.10), dbSNP rs747881336, ClinGen allele CA405274217.